The following is an entry in ClinVar:

NM_177987.3(TUBB8):c.[1033C>T;1039A>G]

Variant type: Haplotype.
Identifiers: ClinVar variation 930176 (VCV000930176.4).

ClinVar aggregate classification (germline): Uncertain significance (1 of 4 stars; one submission).

Submission:

Laboratory for Molecular Medicine, Mass General Brigham Personalized Medicine
Classification: Uncertain significance. Last evaluated: 2019-05-06. Review status: criteria provided, single submitter. Criteria: LMM Criteria. Collection method: clinical testing. Allele origin: germline. Observed: 1 variant allele.
Comment: The p.[Leu345Phe; Asn347Asp] variant in TUBB8 has not been previously reported in individuals with disease or in large population studies. However, this variant was confirmed in two sisters with infertility due to metaphase 1 oocyte maturation arrest by the Broad Institute Rare Genomes Project and found to be paternally-inherited. This variant is comprised of two cis single nucleotide variants leading to two amino acid substitutions. Computational prediction tools and conservation analysis do not provide strong support for or against an impact to the protein. In summary, the clinical significance of the p.[Leu345Phe; Asn347Asp] variant is uncertain. ACMG/AMP Criteria applied: PM2, PP4.